The following is an entry in ClinVar:

ClinVar aggregate classification (germline): Uncertain significance (1 of 4 stars; one submission).

Conditions:
Predisposition to invasive fungal disease due to CARD9 deficiency (IMD103). Also called: Candidiasis, familial, 2, autosomal recessive; CARD9 IMMUNODEFICIENCY; IMMUNODEFICIENCY 103, SUSCEPTIBILITY TO FUNGAL INFECTIONS. Identifiers: Orphanet 457088, MedGen C1859353, MONDO:0008905, OMIM 212050.

Allele frequency attached by ClinVar (database versions not stated): gnomAD 0.00001; gnomAD exomes 0.00001; TOPMed 0.00001.
gnomAD v4.1: 9 of 1,612,246 alleles (0.00056%); highest among the groups gnomAD compares: African/African-American, 0.0013%; no homozygotes.

Submission:

Labcorp Genetics (formerly Invitae), Labcorp
Classification: Uncertain significance for Predisposition to invasive fungal disease due to CARD9 deficiency. Last evaluated: 2022-08-19. Review status: criteria provided, single submitter. Criteria: Invitae Variant Classification Sherloc (09022015). Collection method: clinical testing. Allele origin: germline.
Comment: This sequence change replaces cysteine, which is neutral and slightly polar, with arginine, which is basic and polar, at codon 178 of the CARD9 protein (p.Cys178Arg). This variant is not present in population databases (gnomAD no frequency). This variant has not been reported in the literature in individuals affected with CARD9-related conditions. ClinVar contains an entry for this variant (Variation ID: 1057633). Algorithms developed to predict the effect of missense changes on protein structure and function are either unavailable or do not agree on the potential impact of this missense change (SIFT: "Deleterious"; PolyPhen-2: "Possibly Damaging"; Align-GVGD: "Class C0"). In summary, the available evidence is currently insufficient to determine the role of this variant in disease. Therefore, it has been classified as a Variant of Uncertain Significance.

NM_052813.5(CARD9):c.532T>C (p.Cys178Arg)

Gene: CARD9 (caspase recruitment domain family member 9; minus strand). Cytogenetic location: 9q34.3.
Variant type: single nucleotide variant.
Coding change: c.532T>C on transcript NM_052813.5 (MANE Select); coding-DNA position 532, T replaced by C.
Protein change: p.Cys178Arg; replaces cysteine 178 with arginine.
Molecular consequence: missense variant.
Genome position (GRCh38, 1-based): chr9:136,370,936, A>G on the plus strand (T>C on the coding strand, the complement: CARD9 is on the minus strand). VCF-style: chr9-136370936-A-G. GRCh37 (hg19) VCF-style: chr9-139265388-A-G.
Other names: c.532T>C, p.Cys178Arg (NM_052814.4); short protein forms C178R.
Identifiers: ClinVar variation 1057633 (VCV001057633.6), dbSNP rs932662849, ClinGen allele CA201614634.